The following is an entry in ClinVar:

NM_001367624.2(ZNF469):c.3030C>G (p.Pro1010=)

Gene: ZNF469 (zinc finger protein 469; plus strand). Cytogenetic location: 16q24.2.
Variant type: single nucleotide variant.
Coding change: c.3030C>G on transcript NM_001367624.2 (MANE Select); coding-DNA position 3030, C replaced by G.
Protein change: p.Pro1010=; no amino-acid change (proline 1010 retained).
Molecular consequence: synonymous variant.
Genome position (GRCh38, 1-based): chr16:88,430,500, C>G. VCF-style: chr16-88430500-C-G. GRCh37 (hg19) VCF-style: chr16-88496908-C-G.
Other names: NM_001127464.1:c.3030C>G.
Identifiers: ClinVar variation 1314846 (VCV001314846.7), dbSNP rs1245818626, ClinGen allele CA497354011.
Genomic context (GRCh38, chr16:88,430,500, plus strand): 5'-CCCACCCCGTCCCCGGCGCCCTAGAACGCAGGCCCCCGGGAGCCGCGCAGACCCCGCGCC[C>G]CGGGTCCCGAGAGCCGCCGCCCTCCCCGAGGAGACCCGCAGCTCCCGGCGCCGCCGGCTG-3'
Protein context (NP_001354553.1, residues 1000-1020): QAPGSRADPA[Pro1010=]RVPRAAALPE

ClinVar aggregate classification (germline): Conflicting classifications of pathogenicity. Review status: criteria provided, conflicting classifications (1 of 4 stars). 3 submissions from 3 submitters: Uncertain significance (1); Likely benign (2). Last evaluated 2025-05-07.

Conditions:
Cardiovascular phenotype. Identifiers: MedGen CN230736.

Allele frequency attached by ClinVar (database versions not stated): gnomAD exomes below 0.00001; gnomAD 0.00002; TOPMed 0.00002.
gnomAD v4.1: 5 of 1,421,278 alleles (0.00035%); highest among the groups gnomAD compares: African/African-American, 0.0076%; no homozygotes.

Submissions (3):

Labcorp Genetics (formerly Invitae), Labcorp
Classification: Likely benign. Last evaluated: 2025-05-07. Review status: criteria provided, single submitter. Criteria: Invitae Variant Classification Sherloc (09022015). Collection method: clinical testing. Allele origin: germline.

GeneDx
Classification: Uncertain significance. Last evaluated: 2021-04-16. Review status: criteria provided, single submitter. Criteria: GeneDx Variant Classification Process June 2021. Collection method: clinical testing. Allele origin: germline. Affected: yes.
Comment: Has not been previously published as pathogenic or benign to our knowledge; In-silico analysis, which includes splice predictors and evolutionary conservation, is inconclusive as to whether the variant alters gene splicing. In the absence of RNA/functional studies, the actual effect of this sequence change is unknown.

Ambry Genetics
Classification: Likely benign for Cardiovascular phenotype. Last evaluated: 2020-08-31. Review status: criteria provided, single submitter. Criteria: Ambry Variant Classification Scheme 2023. Collection method: clinical testing. Allele origin: germline.